The following is an entry in ClinVar:

ClinVar aggregate classification (germline): Pathogenic/Likely pathogenic. Review status: criteria provided, multiple submitters, no conflicts (2 of 4 stars). 2 submissions from 2 submitters: Pathogenic (1); Likely pathogenic (1). Last evaluated 2025-08-15.

Conditions:
Kabuki syndrome 1 (KABUK1). Also called: KMT2D-Related Kabuki Syndrome. Identifiers: Orphanet 2322, MedGen CN030661, MONDO:0007843, OMIM 147920.
Kabuki syndrome. Also called: NIIKAWA-KUROKI SYNDROME; Kabuki make-up syndrome. Identifiers: Orphanet 2322, MedGen C0796004, MONDO:0016512.

Submissions (2):

Labcorp Genetics (formerly Invitae), Labcorp
Classification: Pathogenic for Kabuki syndrome. Last evaluated: 2025-08-15. Review status: criteria provided, single submitter. Criteria: Invitae Variant Classification Sherloc (09022015). Collection method: clinical testing. Allele origin: germline.
Comment: This sequence change creates a premature translational stop signal (p.Gly1823*) in the KMT2D gene. It is expected to result in an absent or disrupted protein product. Loss-of-function variants in KMT2D are known to be pathogenic (PMID: 22126750). This variant is not present in population databases (gnomAD no frequency). This variant has not been reported in the literature in individuals affected with KMT2D-related conditions. ClinVar contains an entry for this variant (Variation ID: 547430). Algorithms developed to predict the effect of sequence changes on RNA splicing suggest that this variant may disrupt the consensus splice site. For these reasons, this variant has been classified as Pathogenic.

Center for Human Genetics, Inc
Classification: Likely pathogenic for Kabuki syndrome 1. Last evaluated: 2016-11-01. Review status: criteria provided, single submitter. Criteria: ACMG Guidelines, 2015. Collection method: clinical testing. Allele origin: germline. Affected: yes.

Literature cited by the submitters: PubMed 22126750 (cited by Labcorp Genetics (formerly Invitae), Labcorp).

NM_003482.4(KMT2D):c.5467G>T (p.Gly1823Ter)

Gene: KMT2D (lysine methyltransferase 2D; minus strand). Cytogenetic location: 12q13.12.
Variant type: single nucleotide variant.
Coding change: c.5467G>T on transcript NM_003482.4 (MANE Select); coding-DNA position 5467, G replaced by T.
Protein change: p.Gly1823Ter; replaces glycine 1823 with a stop codon.
Molecular consequence: nonsense.
Genome position (GRCh38, 1-based): chr12:49,043,635, C>A on the plus strand (G>T on the coding strand, the complement: KMT2D is on the minus strand). VCF-style: chr12-49043635-C-A. GRCh37 (hg19) VCF-style: chr12-49437418-C-A.
Other names: short protein forms G1823*.
Identifiers: ClinVar variation 547430 (VCV000547430.5), dbSNP rs1555193912, ClinGen allele CA384631178.
Genomic context (GRCh38, chr12:49,043,635, plus strand): 5'-CAGCTCCTAAGCCAGAAGAAAGTTGGATTCTCTCACACCACTCACTCCCACATAACTAAC[C>A]TTTCTGCGATGTGGGGAGTTCCTTCCTTTCTGAGCCTCCATCTCCCTTGGCTTTTGGGGT-3'